The following is an entry in ClinVar:

NM_012082.4(ZFPM2):c.662C>T (p.Ala221Val)

Genes: ZFPM2 (zinc finger protein, FOG family member 2; plus strand), ZFPM2-AS1 (ZFPM2 antisense RNA 1; minus strand). Cytogenetic location: 8q23.1.
Variant type: single nucleotide variant.
Coding change: c.662C>T on transcript NM_012082.4 (MANE Select); coding-DNA position 662, C replaced by T.
Protein change: p.Ala221Val; replaces alanine 221 with valine.
Molecular consequence: missense variant.
Genome position (GRCh38, 1-based): chr8:105,788,847, C>T. VCF-style: chr8-105788847-C-T. GRCh37 (hg19) VCF-style: chr8-106801075-C-T.
Other names: c.266C>T, p.Ala89Val (NM_001362837.2); c.503C>T, p.Ala168Val (NM_001362836.2); short protein forms A168V, A221V, A89V.
Identifiers: ClinVar variation 2629275 (VCV002629275.1), dbSNP rs774715438, ClinGen allele CA4839582.
Genomic context (GRCh38, chr8:105,788,847, plus strand): 5'-ATTTTGACTCAAGGCTACAAGCTGCCAGTCAGATGACTCTCACAGAAGGGATGTACCCTG[C>T]ACGCCTGCTGGACTCAATTCAGCTGCTTCCTCAGCAAGCTGCCATGGCTTCTATTTTGCC-3'
Protein context (NP_036214.2, residues 211-231): QMTLTEGMYP[Ala221Val]RLLDSIQLLP

ClinVar aggregate classification (germline): Uncertain significance (1 of 4 stars; one submission).

Conditions:
ZFPM2-related disorder. Also called: ZFPM2-related condition.

Allele frequency attached by ClinVar (database versions not stated): gnomAD exomes below 0.00001; TOPMed below 0.00001; gnomAD 0.00001; ExAC 0.00002.
gnomAD v4.1: 3 of 1,613,812 alleles (0.00019%); highest among the groups gnomAD compares: Non-Finnish European, 0.00025%; no homozygotes.

Submission:

PreventionGenetics, part of Exact Sciences
Classification: Uncertain significance for ZFPM2-related condition. Last evaluated: 2022-11-14. Review status: criteria provided, single submitter. Criteria: ACMG Guidelines, 2015. Collection method: clinical testing. Allele origin: germline.
Comment: The ZFPM2 c.662C>T variant is predicted to result in the amino acid substitution p.Ala221Val. To our knowledge, this variant has not been reported in the literature. This variant is reported in 0.0031% of alleles in individuals of European (Non-Finnish) descent in gnomAD. At this time, the clinical significance of this variant is uncertain due to the absence of conclusive functional and genetic evidence.